The following is an entry in ClinVar:

ClinVar aggregate classification (germline): Uncertain significance (1 of 4 stars; one submission).

Conditions:
Diamond-Blackfan anemia. Also called: Blackfan Diamond syndrome; Aregenerative anemia chronic congenital; Red cell aplasia, pure hereditary; Congenital hypoplastic anemia; Aase syndrome. Identifiers: Orphanet 124, MedGen C1260899, MeSH D029503, MONDO:0015253, HP:0004810.

Allele frequency attached by ClinVar (database versions not stated): ExAC 0.00001; gnomAD exomes below 0.00001.
gnomAD v4.1: 1 of 1,611,510 alleles (0.000062%); highest among the groups gnomAD compares: Non-Finnish European, 0.000085%; no homozygotes.

Submission:

Labcorp Genetics (formerly Invitae), Labcorp
Classification: Uncertain significance for Diamond-Blackfan anemia. Last evaluated: 2024-08-20. Review status: criteria provided, single submitter. Criteria: Invitae Variant Classification Sherloc (09022015). Collection method: clinical testing. Allele origin: germline.
Comment: This sequence change replaces methionine, which is neutral and non-polar, with valine, which is neutral and non-polar, at codon 235 of the RPL5 protein (p.Met235Val). This variant is not present in population databases (gnomAD no frequency). This variant has not been reported in the literature in individuals affected with RPL5-related conditions. An algorithm developed to predict the effect of missense changes on protein structure and function (PolyPhen-2) suggests that this variant is likely to be disruptive. In summary, the available evidence is currently insufficient to determine the role of this variant in disease. Therefore, it has been classified as a Variant of Uncertain Significance.

NM_000969.5(RPL5):c.703A>G (p.Met235Val)

Genes: DIPK1A (divergent protein kinase domain 1A; minus strand), RPL5 (ribosomal protein L5; plus strand). Cytogenetic location: 1p22.1.
Variant type: single nucleotide variant.
Coding change: c.703A>G on transcript NM_000969.5 (MANE Select); coding-DNA position 703, A replaced by G.
Protein change: p.Met235Val; replaces methionine 235 with valine.
Molecular consequence: missense variant. On other transcripts: non-coding transcript variant (1), intron variant (1).
Genome position (GRCh38, 1-based): chr1:92,837,631, A>G. VCF-style: chr1-92837631-A-G. GRCh37 (hg19) VCF-style: chr1-93303188-A-G.
Other names: c.475-4597T>C (NM_001252273.2); short protein forms M235V.
Identifiers: ClinVar variation 2733794 (VCV002733794.3), dbSNP rs200087538, ClinGen allele CA952540.